The following is an entry in ClinVar:

ClinVar aggregate classification (germline): Conflicting classifications of pathogenicity. Review status: criteria provided, conflicting classifications (1 of 4 stars). 3 submissions from 3 submitters: Likely pathogenic (1); Uncertain significance (2). Last evaluated 2022-12-08.

Conditions:
D-Glyceric aciduria. Also called: GLYCERATE KINASE DEFICIENCY; Deficiency of glycerate kinase. Identifiers: Orphanet 941, MedGen C0342765, MONDO:0009070, OMIM 220120.

Allele frequency attached by ClinVar (database versions not stated): gnomAD 0.00002; TOPMed 0.00002.

Submissions (3):

Women's Health and Genetics/Laboratory Corporation of America, LabCorp
Classification: Likely pathogenic for D-Glyceric aciduria. Last evaluated: 2022-12-08. Review status: criteria provided, single submitter. Criteria: LabCorp Variant Classification Summary - May 2015. Collection method: clinical testing. Allele origin: germline.
Comment: Variant summary: GLYCTK c.37C>T (p.Arg13X) results in a premature termination codon, predicted to cause a truncation of the encoded protein or absence of the protein due to nonsense mediated decay, which are commonly known mechanisms for disease. Truncations downstream of this position have been classified as pathogenic in ClinVar and is associated with D-glyceric aciduria in HGMD. The variant was absent in 236634 control chromosomes (gnomAD). To our knowledge c.37C>T has not been reported in the literature in individuals affected with D-Glyceric Aciduria and no experimental evidence demonstrating an impact on protein function has been reported. No clinical diagnostic laboratories have submitted clinical-significance assessments for this variant to ClinVar after 2014. Based on the evidence outlined above, the variant was classified as likely pathogenic.

Labcorp Genetics (formerly Invitae), Labcorp
Classification: Uncertain significance. Last evaluated: 2021-12-29. Review status: criteria provided, single submitter. Criteria: Invitae Variant Classification Sherloc (09022015). Collection method: clinical testing. Allele origin: germline.
Comment: This sequence change creates a premature translational stop signal (p.Arg13*) in the GLYCTK gene. It is expected to result in an absent or disrupted protein product. However, the current clinical and genetic evidence is not sufficient to establish whether loss-of-function variants in GLYCTK cause disease. This variant is present in population databases (no rsID available, gnomAD 0.005%). In summary, the available evidence is currently insufficient to determine the role of this variant in disease. Therefore, it has been classified as a Variant of Uncertain Significance. This variant has not been reported in the literature in individuals affected with GLYCTK-related conditions.

Revvity Omics, Revvity
Classification: Uncertain significance for D-Glyceric aciduria. Last evaluated: 2020-07-09. Review status: criteria provided, single submitter. Criteria: ACMG Guidelines, 2015. Collection method: clinical testing. Allele origin: germline.

Literature cited by the submitters: PubMed 29695758 (cited by Women's Health and Genetics/Laboratory Corporation of America, LabCorp).

NM_145262.4(GLYCTK):c.37C>T (p.Arg13Ter)

Gene: GLYCTK (glycerate kinase; plus strand). Cytogenetic location: 3p21.2.
Variant type: single nucleotide variant.
Coding change: c.37C>T on transcript NM_145262.4 (MANE Select); coding-DNA position 37, C replaced by T.
Protein change: p.Arg13Ter; replaces arginine 13 with a stop codon.
Molecular consequence: nonsense. On other transcripts: non-coding transcript variant (3).
Genome position (GRCh38, 1-based): chr3:52,290,379, C>T. VCF-style: chr3-52290379-C-T. GRCh37 (hg19) VCF-style: chr3-52324395-C-T.
Other names: c.37C>T, p.Arg13Ter (NM_001144951.2); short protein forms R13*.
Identifiers: ClinVar variation 1878259 (VCV001878259.9), dbSNP rs910401729, ClinGen allele CA74735916.